The following is an entry in ClinVar:

ClinVar aggregate classification (germline): Uncertain significance (1 of 4 stars; one submission).

Submission:

Ambry Genetics
Classification: Uncertain significance. Last evaluated: 2024-04-17. Review status: criteria provided, single submitter. Criteria: Ambry Variant Classification Scheme 2023. Collection method: clinical testing. Allele origin: germline.
Comment: The p.S166F variant (also known as c.497C>T), located in coding exon 4 of the RECQL gene, results from a C to T substitution at nucleotide position 497. The serine at codon 166 is replaced by phenylalanine, an amino acid with highly dissimilar properties. This amino acid position is conserved. In addition, this alteration is predicted to be tolerated by in silico analysis. Based on the available evidence, the clinical significance of this variant remains unclear.

NM_002907.4(RECQL):c.497C>T (p.Ser166Phe)

Gene: RECQL (RecQ like helicase; minus strand). Cytogenetic location: 12p12.1.
Variant type: single nucleotide variant.
Coding change: c.497C>T on transcript NM_002907.4 (MANE Select); coding-DNA position 497, C replaced by T.
Protein change: p.Ser166Phe; replaces serine 166 with phenylalanine.
Molecular consequence: missense variant.
Genome position (GRCh38, 1-based): chr12:21,486,483, G>A on the plus strand (C>T on the coding strand, the complement: RECQL is on the minus strand). VCF-style: chr12-21486483-G-A. GRCh37 (hg19) VCF-style: chr12-21639417-G-A.
Other names: c.497C>T, p.Ser166Phe (NM_032941.3); short protein forms S166F.
Identifiers: ClinVar variation 3313503 (VCV003313503.1).
Genomic context (GRCh38, chr12:21,486,483, plus strand): 5'-AGCTCCTATTTCAGTGAATAGTTTACATTAAAAAAAAAAAAGCCACTGAAACATACCTTA[G>A]AACTAGAAGCATTTAACATGGTTGCTGAAATTCCTAATTGTTTTAAAACCATTAATTGGT-3'
Protein context (NP_002898.2, residues 156-176): ISATMLNASS[Ser166Phe]KEHVKWVHAE